The following is an entry in ClinVar:

NM_000414.4(HSD17B4):c.1317A>G (p.Val439=)

Gene: HSD17B4 (hydroxysteroid 17-beta dehydrogenase 4; plus strand). Cytogenetic location: 5q23.1.
Variant type: single nucleotide variant.
Coding change: c.1317A>G on transcript NM_000414.4 (MANE Select); coding-DNA position 1317, A replaced by G.
Protein change: p.Val439=; no amino-acid change (valine 439 retained).
Molecular consequence: synonymous variant.
Genome position (GRCh38, 1-based): chr5:119,506,873, A>G. VCF-style: chr5-119506873-A-G. GRCh37 (hg19) VCF-style: chr5-118842568-A-G.
Other names: c.1392A>G, p.Val464= (NM_001199291.3); c.1263A>G, p.Val421= (NM_001199292.2); c.1245A>G, p.Val415= (NM_001292027.2); c.897A>G, p.Val299= (NM_001292028.2).
Identifiers: ClinVar variation 500197 (VCV000500197.28), dbSNP rs771922933, ClinGen allele CA3382179.

ClinVar aggregate classification (germline): Conflicting classifications of pathogenicity. Review status: criteria provided, conflicting classifications (1 of 4 stars). 6 submissions from 6 submitters: Uncertain significance (1); Likely benign (3). 2 of the submissions do not count toward it. Last evaluated 2025-12-24.

Conditions:
Bifunctional peroxisomal enzyme deficiency (DBIF). Also called: PBFE DEFICIENCY; DBP DEFICIENCY; D-bifunctional protein deficiency. Identifiers: Orphanet 300, MedGen C0342870, MONDO:0009855, OMIM 261515. Disease mechanism: loss of function.
HSD17B4-related disorder. Also called: HSD17B4-related disorders; HSD17B4-related condition.
Perrault syndrome. Also called: Gonadal dysgenesis with auditory dysfunction, autosomal recessive inheritance. Identifiers: Orphanet 2855, MedGen C0685838, MONDO:0017312.

Allele frequency attached by ClinVar (database versions not stated): gnomAD exomes 0.00003 and 0.00006; ExAC 0.00004; gnomAD 0.00009 and 0.00011; TOPMed 0.00010.
gnomAD v4.1: 66 of 1,551,066 alleles (0.0043%); highest among the groups gnomAD compares: Admixed American, 0.035%; no homozygotes.

Submissions (6):

Labcorp Genetics (formerly Invitae), Labcorp
Classification: Likely benign for Perrault syndrome; Bifunctional peroxisomal enzyme deficiency. Last evaluated: 2025-12-24. Review status: criteria provided, single submitter. Criteria: Invitae Variant Classification Sherloc (09022015). Collection method: clinical testing. Allele origin: germline.

GeneDx
Classification: Likely benign. Last evaluated: 2020-09-02. Review status: criteria provided, single submitter. Criteria: GeneDx Variant Classification Process June 2021. Collection method: clinical testing. Allele origin: germline. Affected: yes.

ARUP Laboratories, Molecular Genetics and Genomics, ARUP Laboratories
Classification: Likely benign. Last evaluated: 2018-05-26. Review status: criteria provided, single submitter. Criteria: ARUP Molecular Germline Variant Investigation Process. Collection method: clinical testing. Allele origin: germline.
Comment: The p.Val464Val variant (rs771922933) does not alter the amino acid sequence of the HSD17B4 protein and computational splice site prediction algorithms do not predict a change in the nearest splice site or creation of a cryptic splice site. This variant has not been reported in association with hearing loss in medical literature or in gene specific variation databases. This variant is listed in the Genome Aggregation Database (gnomAD) with an overall population frequency of 0.006 percent (identified on 14 out of 245,598 chromosomes) and has been reported to the ClinVar database (Variation ID: 500197). Based on these observations, the p.Val464Val variant is likely to be benign.

Eurofins Ntd Llc (ga)
Classification: Uncertain significance. Last evaluated: 2017-02-21. Review status: criteria provided, single submitter. Criteria: EGL Classification Definitions 2015. Collection method: clinical testing. Allele origin: germline. Observed: 2 variant alleles, 2 heterozygotes.

PreventionGenetics, part of Exact Sciences
Classification: Likely benign for HSD17B4-related condition. Last evaluated: 2023-02-21. Review status: no assertion criteria provided. Collection method: clinical testing. Allele origin: germline. Not counted in ClinVar's aggregate classification.
Comment: This variant is classified as likely benign based on ACMG/AMP sequence variant interpretation guidelines (Richards et al. 2015 PMID: 25741868, with internal and published modifications).

Natera, Inc.
Classification: Likely benign for Bifunctional peroxisomal enzyme deficiency. Last evaluated: 2020-10-07. Review status: no assertion criteria provided. Collection method: clinical testing. Allele origin: germline. Not counted in ClinVar's aggregate classification.